The following is an entry in ClinVar:

ClinVar aggregate classification (germline): Uncertain significance (1 of 4 stars; one submission).

Conditions:
Hereditary nonpolyposis colorectal neoplasms. Identifiers: MedGen C0009405, MeSH D003123.

Submission:

Labcorp Genetics (formerly Invitae), Labcorp
Classification: Uncertain significance for Hereditary nonpolyposis colorectal neoplasms. Last evaluated: 2024-05-26. Review status: criteria provided, single submitter. Criteria: Invitae Variant Classification Sherloc (09022015). Collection method: clinical testing. Allele origin: germline.
Comment: This sequence change replaces arginine, which is basic and polar, with isoleucine, which is neutral and non-polar, at codon 287 of the PMS2 protein (p.Arg287Ile). This variant is not present in population databases (gnomAD no frequency). This variant has not been reported in the literature in individuals affected with PMS2-related conditions. Advanced modeling of protein sequence and biophysical properties (such as structural, functional, and spatial information, amino acid conservation, physicochemical variation, residue mobility, and thermodynamic stability) performed at Invitae indicates that this missense variant is expected to disrupt PMS2 protein function with a positive predictive value of 80%. In summary, the available evidence is currently insufficient to determine the role of this variant in disease. Therefore, it has been classified as a Variant of Uncertain Significance.

NM_000535.7(PMS2):c.860G>T (p.Arg287Ile)

Gene: PMS2 (PMS1 homolog 2, mismatch repair system component; minus strand). Cytogenetic location: 7p22.1.
Variant type: single nucleotide variant.
Coding change: c.860G>T on transcript NM_000535.7 (MANE Select); coding-DNA position 860, G replaced by T.
Protein change: p.Arg287Ile; replaces arginine 287 with isoleucine.
Molecular consequence: missense variant. On other transcripts: 5 prime UTR variant (2), non-coding transcript variant (1), intron variant (4).
Genome position (GRCh38, 1-based): chr7:5,995,577, C>A on the plus strand (G>T on the coding strand, the complement: PMS2 is on the minus strand). VCF-style: chr7-5995577-C-A. GRCh37 (hg19) VCF-style: chr7-6035208-C-A.
Other names: c.455G>T, p.Arg152Ile (NM_001322003.2, NM_001322004.2, NM_001322005.2 and 19 more transcripts); c.860G>T, p.Arg287Ile (NM_001322006.2, NM_001322014.2, NM_001406870.1 and 2 more transcripts); c.542G>T, p.Arg181Ile (NM_001322007.2, NM_001322008.2, NM_001406876.1 and 4 more transcripts); c.-74G>T (NM_001322011.2, NM_001322012.2); c.287G>T, p.Arg96Ile (NM_001322013.2, NM_001406909.1); c.551G>T, p.Arg184Ile (NM_001322015.2, NM_001406875.1, NM_001406877.1 and 6 more transcripts); c.1046G>T, p.Arg349Ile (NM_001406866.1); c.884G>T, p.Arg295Ile (NM_001406868.1); and 8 more; short protein forms R287I, R349I, R116I, R184I, R231I, R251I, R295I, R96I.
Identifiers: ClinVar variation 3654592 (VCV003654592.2).
Genomic context (GRCh38, chr7:5,995,577, plus strand): 5'-AAAAAAATTTTAAATACCTTTGCTGGGTCACAAGGCCGCCGGTTGATAAAGAAAAACTGT[C>A]TGTCTGTTGAACTCCTTCCAACTCCATGCGTGCATTGTGAAATGAAACCTGAGATGCTAT-3'
Protein context (NP_000526.2, residues 277-297): THGVGRSSTD[Arg287Ile]QFFFINRRPC